The following is an entry in ClinVar:

NM_000256.3(MYBPC3):c.3672C>T (p.Asp1224=)

Gene: MYBPC3 (myosin binding protein C3; minus strand). Cytogenetic location: 11p11.2.
Variant type: single nucleotide variant.
Coding change: c.3672C>T on transcript NM_000256.3 (MANE Select); coding-DNA position 3672, C replaced by T.
Protein change: p.Asp1224=; no amino-acid change (aspartic acid 1224 retained).
Molecular consequence: synonymous variant.
Genome position (GRCh38, 1-based): chr11:47,332,214, G>A on the plus strand (C>T on the coding strand, the complement: MYBPC3 is on the minus strand). VCF-style: chr11-47332214-G-A. GRCh37 (hg19) VCF-style: chr11-47353765-G-A.
Other names: p.D1224D:GAC>GAT.
Identifiers: ClinVar variation 42730 (VCV000042730.30), dbSNP rs368221517, ClinGen allele CA014577.

ClinVar aggregate classification (germline): Benign/Likely benign. Review status: criteria provided, multiple submitters, no conflicts (2 of 4 stars). 12 submissions from 12 submitters: Benign (3); Likely benign (6). 3 of the submissions do not count toward it. Last evaluated 2026-06-01.

Conditions:
MYBPC3-related disorder. Also called: MYBPC3-related disorders; MYBPC3-related condition; MYBPC3-related disease.
Cardiovascular phenotype. Identifiers: MedGen CN230736.
Cardiomyopathy (CMYO). Also called: Cardiomyopathies. Identifiers: Orphanet 167848, MedGen C0878544, MONDO:0004994, HP:0001638. Inheritance: Various modes of inheritance.
Hypertrophic cardiomyopathy. Also called: HYPERTROPHIC MYOCARDIOPATHY. Identifiers: Orphanet 217569, MedGen C0007194, MeSH D002312, MONDO:0005045, HP:0001639.

Allele frequency attached by ClinVar (database versions not stated): 1000 Genomes Project 30x 0.00016; 1000 Genomes Project 0.00020; ESP Exome Variant Server 0.00025; TOPMed 0.00043; gnomAD exomes 0.00004 and 0.00007; ExAC 0.00011; gnomAD 0.00045 and 0.00055.
gnomAD v4.1: 127 of 1,613,834 alleles (0.0079%); highest among the groups gnomAD compares: African/African-American, 0.13%; no homozygotes.

Submissions (12):

CeGaT Center for Human Genetics Tuebingen
Classification: Likely benign. Last evaluated: 2026-06-01. Review status: criteria provided, single submitter. Criteria: CeGaT Center For Human Genetics Tuebingen Variant Classification Criteria Version 2. Collection method: clinical testing. Allele origin: germline. Affected: yes. Observed: 1 variant allele.
Comment: MYBPC3: BP4, BP7

Labcorp Genetics (formerly Invitae), Labcorp
Classification: Likely benign for Hypertrophic cardiomyopathy. Last evaluated: 2026-01-14. Review status: criteria provided, single submitter. Criteria: Invitae Variant Classification Sherloc (09022015). Collection method: clinical testing. Allele origin: germline.

Women's Health and Genetics/Laboratory Corporation of America, LabCorp
Classification: Likely benign. Last evaluated: 2025-04-29. Review status: criteria provided, single submitter. Criteria: LabCorp Variant Classification Summary - May 2015. Collection method: clinical testing. Allele origin: germline.

All of Us Research Program, National Institutes of Health
Classification: Likely benign for Hypertrophic cardiomyopathy. Last evaluated: 2024-02-05. Review status: criteria provided, single submitter. Criteria: ACMG Guidelines, 2015. Collection method: clinical testing. Allele origin: germline. Inheritance: Autosomal dominant inheritance. Observed: 23 variant alleles, 23 heterozygotes.
Comment: This study involves interpretation of variants in research participants for the purpose of population health screening. Participant phenotype was not available at the time of variant classification. Additional details can be found in publication PMID: 35346344, PMCID: PMC8962531

Laboratory for Molecular Medicine, Mass General Brigham Personalized Medicine
Classification: Benign. Last evaluated: 2022-04-28. Review status: criteria provided, single submitter. Criteria: ACMG Guidelines, 2015. Collection method: clinical testing. Allele origin: germline.
Comment: The p.Asp1224Asp variant in MYBPC3 is classified as likely benign because it does not alter an amino acid residue, is not located within the splice consensus site, and computational splice prediction tools do not predict an impact on splicing. Additioally, iIt has been identified in 0.11% (27/24190) of African American chromosomes by gnomAD. ACMG/AMP Criteria applied: BA1, BP7.

Ambry Genetics
Classification: Likely benign for Cardiovascular phenotype. Last evaluated: 2019-01-09. Review status: criteria provided, single submitter. Criteria: Ambry Variant Classification Scheme 2023. Collection method: clinical testing. Allele origin: germline.

Color Diagnostics, LLC DBA Color Health
Classification: Likely benign for Cardiomyopathy. Last evaluated: 2018-10-16. Review status: criteria provided, single submitter. Criteria: ACMG Guidelines, 2015. Collection method: clinical testing. Allele origin: germline.

CHEO Genetics Diagnostic Laboratory, Children's Hospital of Eastern Ontario
Classification: Benign for Cardiomyopathy. Last evaluated: 2018-03-14. Review status: criteria provided, single submitter. Criteria: ACMG Guidelines, 2015. Collection method: clinical testing. Allele origin: germline.

GeneDx
Classification: Benign. Last evaluated: 2014-04-01. Review status: criteria provided, single submitter. Criteria: GeneDx Variant Classification (06012015). Collection method: clinical testing. Allele origin: germline. Affected: yes.
Comment: This variant is considered likely benign or benign based on one or more of the following criteria: it is a conservative change, it occurs at a poorly conserved position in the protein, it is predicted to be benign by multiple in silico algorithms, and/or has population frequency not consistent with disease.

PreventionGenetics, part of Exact Sciences
Classification: Likely benign for MYBPC3-related condition. Last evaluated: 2022-08-03. Review status: no assertion criteria provided. Collection method: clinical testing. Allele origin: germline. Not counted in ClinVar's aggregate classification.
Comment: This variant is classified as likely benign based on ACMG/AMP sequence variant interpretation guidelines (Richards et al. 2015 PMID: 25741868, with internal and published modifications).

Clinical Genetics DNA and cytogenetics Diagnostics Lab, Erasmus MC, Erasmus Medical Center
Classification: Likely benign. Review status: no assertion criteria provided. Collection method: clinical testing. Allele origin: germline. Affected: yes. Study: VKGL Data-share Consensus. Not counted in ClinVar's aggregate classification.

Clinical Genetics, Academic Medical Center
Classification: Benign. Review status: no assertion criteria provided. Collection method: clinical testing. Allele origin: germline. Affected: yes. Study: VKGL Data-share Consensus. Not counted in ClinVar's aggregate classification.